The following is an entry in ClinVar:

ClinVar aggregate classification (germline): Uncertain significance (1 of 4 stars; one submission).

gnomAD v4.1: 1 of 1,614,118 alleles (0.000062%); no homozygotes.

Submission:

Labcorp Genetics (formerly Invitae), Labcorp
Classification: Uncertain significance. Last evaluated: 2022-09-01. Review status: criteria provided, single submitter. Criteria: Invitae Variant Classification Sherloc (09022015). Collection method: clinical testing. Allele origin: germline.
Comment: In summary, the available evidence is currently insufficient to determine the role of this variant in disease. Therefore, it has been classified as a Variant of Uncertain Significance. Algorithms developed to predict the effect of missense changes on protein structure and function are either unavailable or do not agree on the potential impact of this missense change (SIFT: "Not Available"; PolyPhen-2: "Probably Damaging"; Align-GVGD: "Not Available"). This variant has not been reported in the literature in individuals affected with FN1-related conditions. This variant is not present in population databases (gnomAD no frequency). This sequence change replaces tryptophan, which is neutral and slightly polar, with arginine, which is basic and polar, at codon 1653 of the FN1 protein (p.Trp1653Arg).

NM_212482.4(FN1):c.4957T>C (p.Trp1653Arg)

Gene: FN1 (fibronectin 1; minus strand). Cytogenetic location: 2q35.
Variant type: single nucleotide variant.
Coding change: c.4957T>C on transcript NM_212482.4 (MANE Select); coding-DNA position 4957, T replaced by C.
Protein change: p.Trp1653Arg; replaces tryptophan 1653 with arginine.
Molecular consequence: missense variant.
Genome position (GRCh38, 1-based): chr2:215,383,421, A>G on the plus strand (T>C on the coding strand, the complement: FN1 is on the minus strand). VCF-style: chr2-215383421-A-G. GRCh37 (hg19) VCF-style: chr2-216248144-A-G.
Other names: c.4957T>C, p.Trp1653Arg (NM_001306129.2, NM_001306130.2, NM_001365517.2 and 3 more transcripts); c.4684T>C, p.Trp1562Arg (NM_001306131.2, NM_001306132.2, NM_001365518.2 and 7 more transcripts); short protein forms W1562R, W1653R.
Identifiers: ClinVar variation 2006042 (VCV002006042.4), dbSNP rs2469574501, ClinGen allele CA350477863.